The following is an entry in ClinVar:

NM_001174147.2(LMX1B):c.256T>A (p.Cys86Ser)

Gene: LMX1B (LIM homeobox transcription factor 1 beta; plus strand). Cytogenetic location: 9q33.3.
Variant type: single nucleotide variant.
Coding change: c.256T>A on transcript NM_001174147.2 (MANE Select); coding-DNA position 256, T replaced by A.
Protein change: p.Cys86Ser; replaces cysteine 86 with serine.
Molecular consequence: missense variant.
Genome position (GRCh38, 1-based): chr9:126,615,499, T>A. VCF-style: chr9-126615499-T-A. GRCh37 (hg19) VCF-style: chr9-129377778-T-A.
Other names: c.256T>A, p.Cys86Ser (NM_001174146.2, NM_002316.4); c.256T>A (NM_002316.3); short protein forms C86S.
Identifiers: ClinVar variation 2694941 (VCV002694941.4), dbSNP rs2490518250, ClinGen allele CA374910095.

ClinVar aggregate classification (germline): Conflicting classifications of pathogenicity. Review status: criteria provided, conflicting classifications (1 of 4 stars). 2 submissions from 2 submitters: Likely pathogenic (1); Uncertain significance (1). Last evaluated 2026-04-15.

Submissions (2):

GeneDx
Classification: Uncertain significance. Last evaluated: 2026-04-15. Review status: criteria provided, single submitter. Criteria: GeneDx Variant Classification Process June 2021. Collection method: clinical testing. Allele origin: germline.
Comment: Not observed at significant frequency in large population cohorts (gnomAD); In silico analysis supports that this missense variant has a deleterious effect on protein structure/function; Has not been previously published as pathogenic or benign to our knowledge

Labcorp Genetics (formerly Invitae), Labcorp
Classification: Likely pathogenic. Last evaluated: 2025-10-29. Review status: criteria provided, single submitter. Criteria: Invitae Variant Classification Sherloc (09022015). Collection method: clinical testing. Allele origin: germline.
Comment: This sequence change replaces cysteine, which is neutral and slightly polar, with serine, which is neutral and polar, at codon 86 of the LMX1B protein (p.Cys86Ser). This variant is not present in population databases (gnomAD no frequency). This missense change has been observed in individuals with nail-patella syndrome (internal data). ClinVar contains an entry for this variant (Variation ID: 2694941). Invitae Evidence Modeling of protein sequence and biophysical properties (such as structural, functional, and spatial information, amino acid conservation, physicochemical variation, residue mobility, and thermodynamic stability) indicates that this missense variant is expected to disrupt LMX1B protein function with a positive predictive value of 80%. This variant disrupts the p.Cys86 amino acid residue in LMX1B. Other variant(s) that disrupt this residue have been observed in individuals with LMX1B-related conditions (PMID: 10571942, 15928687), which suggests that this may be a clinically significant amino acid residue. In summary, the currently available evidence indicates that the variant is pathogenic, but additional data are needed to prove that conclusively. Therefore, this variant has been classified as Likely Pathogenic.

Literature cited by the submitters: PubMed 10571942 (cited by Labcorp Genetics (formerly Invitae), Labcorp); PubMed 15928687 (cited by Labcorp Genetics (formerly Invitae), Labcorp).